The following is an entry in ClinVar:

ClinVar aggregate classification (germline): Conflicting classifications of pathogenicity. Review status: criteria provided, conflicting classifications (1 of 4 stars). 3 submissions from 3 submitters: Uncertain significance (1); Likely benign (2). Last evaluated 2025-04-01.

Allele frequency attached by ClinVar (database versions not stated): ExAC 0.00017; 1000 Genomes Project 0.00040; 1000 Genomes Project 30x 0.00094.
gnomAD v4.1: 172 of 1,532,608 alleles (0.011%); highest among the groups gnomAD compares: African/African-American, 0.17%; 1 homozygote.

Submissions (3):

CeGaT Center for Human Genetics Tuebingen
Classification: Likely benign. Last evaluated: 2025-04-01. Review status: criteria provided, single submitter. Criteria: CeGaT Center For Human Genetics Tuebingen Variant Classification Criteria Version 2. Collection method: clinical testing. Allele origin: germline. Affected: yes. Observed: 1 variant allele.
Comment: ZFHX2: BP4, BS4

Women's Health and Genetics/Laboratory Corporation of America, LabCorp
Classification: Likely benign. Last evaluated: 2025-04-01. Review status: criteria provided, single submitter. Criteria: LabCorp Variant Classification Summary - May 2015. Collection method: clinical testing. Allele origin: germline.
Comment: Variant summary: ZFHX2 c.3242C>T (p.Pro1081Leu) results in a non-conservative amino acid change in the encoded protein sequence. Three of four in-silico tools predict a benign effect of the variant on protein function. The variant allele was found at a frequency of 0.00011 in 1532608 control chromosomes, predominantly at a frequency of 0.0017 within the African or African-American subpopulation in the gnomAD database, including 1 homozygote. The observed variant frequency within African or African-American control individuals in the gnomAD database exceeds the estimated maximal expected allele frequency for a pathogenic variant in ZFHX2 causing an autosomal dominant, congenital indifference to pain phenotype. To our knowledge, no occurrence of c.3242C>T in individuals affected with Indifference to pain and no experimental evidence demonstrating its impact on protein function have been reported. ClinVar contains an entry for this variant (Variation ID: 3192926). Based on the evidence outlined above, the variant was classified as likely benign.

Ambry Genetics
Classification: Uncertain significance. Last evaluated: 2024-03-01. Review status: criteria provided, single submitter. Criteria: Ambry Variant Classification Scheme 2023. Collection method: clinical testing. Allele origin: germline.

NM_033400.3(ZFHX2):c.3242C>T (p.Pro1081Leu)

Genes: THTPA (thiamine triphosphatase; plus strand), ZFHX2 (zinc finger homeobox 2; minus strand). Cytogenetic location: 14q11.2.
Variant type: single nucleotide variant.
Coding change: c.3242C>T on transcript NM_033400.3 (MANE Select); coding-DNA position 3242, C replaced by T.
Protein change: p.Pro1081Leu; replaces proline 1081 with leucine.
Molecular consequence: missense variant.
Genome position (GRCh38, 1-based): chr14:23,526,867, G>A on the plus strand (C>T on the coding strand, the complement: ZFHX2 is on the minus strand). VCF-style: chr14-23526867-G-A. GRCh37 (hg19) VCF-style: chr14-23996076-G-A.
Other names: short protein forms P1081L.
Identifiers: ClinVar variation 3192926 (VCV003192926.10), dbSNP rs566246733, ClinGen allele CA7117000.